The following is an entry in ClinVar:

NM_000263.4(NAGLU):c.878G>A (p.Ser293Asn)

Gene: NAGLU (N-acetyl-alpha-glucosaminidase; plus strand). Cytogenetic location: 17q21.2.
Variant type: single nucleotide variant.
Coding change: c.878G>A on transcript NM_000263.4 (MANE Select); coding-DNA position 878, G replaced by A.
Protein change: p.Ser293Asn; replaces serine 293 with asparagine.
Molecular consequence: missense variant.
Genome position (GRCh38, 1-based): chr17:42,541,063, G>A. VCF-style: chr17-42541063-G-A. GRCh37 (hg19) VCF-style: chr17-40693081-G-A.
Other names: short protein forms S293N.
Identifiers: ClinVar variation 1957403 (VCV001957403.4), dbSNP rs2510656461, ClinGen allele CA399600121.
Genomic context (GRCh38, chr17:42,541,063, plus strand): 5'-GTTCCTACTCCTGCTCCTTCCTTCTGGCTCCGGAAGACCCCATATTCCCCATCATCGGGA[G>A]CCTCTTCCTGCGAGAGCTGATCAAAGAGTTTGGCACAGACCACATCTATGGGGCCGACAC-3'
Protein context (NP_000254.2, residues 283-303): PEDPIFPIIG[Ser293Asn]LFLRELIKEF

ClinVar aggregate classification (germline): Uncertain significance (1 of 4 stars; one submission).

Conditions:
Mucopolysaccharidosis, MPS-III-B (MPS3B). Also called: N-ACETYL-ALPHA-D-GLUCOSAMINIDASE DEFICIENCY; NAGLU DEFICIENCY; SANFILIPPO SYNDROME B; MPS III B; Mucopolysaccharidosis type IIIB (Sanfilippo B); MPS IIIB (Sanfilippo Syndrome Type B). Identifiers: Orphanet 79270, MedGen C0086648, MONDO:0009656, OMIM 252920.
Charcot-Marie-Tooth disease axonal type 2V. Also called: CHARCOT-MARIE-TOOTH NEUROPATHY, TYPE 2V; CHARCOT-MARIE-TOOTH DISEASE, AXONAL, AUTOSOMAL DOMINANT, TYPE 2V. Identifiers: Orphanet 447964, MedGen C5569050, MONDO:0014665, OMIM 616491.

Submission:

Labcorp Genetics (formerly Invitae), Labcorp
Classification: Uncertain significance for Charcot-Marie-Tooth disease axonal type 2V; Mucopolysaccharidosis, MPS-III-B. Last evaluated: 2024-10-24. Review status: criteria provided, single submitter. Criteria: Invitae Variant Classification Sherloc (09022015). Collection method: clinical testing. Allele origin: germline.
Comment: This sequence change replaces serine, which is neutral and polar, with asparagine, which is neutral and polar, at codon 293 of the NAGLU protein (p.Ser293Asn). This variant is not present in population databases (gnomAD no frequency). This variant has not been reported in the literature in individuals affected with NAGLU-related conditions. ClinVar contains an entry for this variant (Variation ID: 1957403). An algorithm developed to predict the effect of missense changes on protein structure and function outputs the following: PolyPhen-2: "Benign". The asparagine amino acid residue is found in multiple mammalian species, which suggests that this missense change does not adversely affect protein function. In summary, the available evidence is currently insufficient to determine the role of this variant in disease. Therefore, it has been classified as a Variant of Uncertain Significance.